The following is an entry in ClinVar:

ClinVar aggregate classification (germline): Uncertain significance. Review status: criteria provided, multiple submitters, no conflicts (2 of 4 stars). 2 submissions from 2 submitters: Uncertain significance (2). Last evaluated 2025-10-26.

Allele frequency attached by ClinVar (database versions not stated): TOPMed 0.00001; gnomAD exomes 0.00002; gnomAD 0.00003; ESP Exome Variant Server 0.00008; ExAC 0.00001.
gnomAD v4.1: 26 of 1,606,042 alleles (0.0016%); highest among the groups gnomAD compares: Middle Eastern, 0.083%; 1 homozygote.

Submissions (2):

Labcorp Genetics (formerly Invitae), Labcorp
Classification: Uncertain significance. Last evaluated: 2025-10-26. Review status: criteria provided, single submitter. Criteria: Invitae Variant Classification Sherloc (09022015). Collection method: clinical testing. Allele origin: germline.
Comment: This sequence change replaces threonine, which is neutral and polar, with arginine, which is basic and polar, at codon 529 of the RFWD3 protein (p.Thr529Arg). This variant is present in population databases (rs146124091, gnomAD 0.002%). This variant has not been reported in the literature in individuals affected with RFWD3-related conditions. ClinVar contains an entry for this variant (Variation ID: 2730341). An algorithm developed to predict the effect of missense changes on protein structure and function (PolyPhen-2) suggests that this variant is likely to be disruptive. In summary, the available evidence is currently insufficient to determine the role of this variant in disease. Therefore, it has been classified as a Variant of Uncertain Significance.

Ambry Genetics
Classification: Uncertain significance. Last evaluated: 2025-08-12. Review status: criteria provided, single submitter. Criteria: Ambry Variant Classification Scheme 2023. Collection method: clinical testing. Allele origin: germline.

NM_018124.4(RFWD3):c.1586C>G (p.Thr529Arg)

Gene: RFWD3 (ring finger and WD repeat domain 3; minus strand). Cytogenetic location: 16q23.1.
Variant type: single nucleotide variant.
Coding change: c.1586C>G on transcript NM_018124.4 (MANE Select); coding-DNA position 1586, C replaced by G.
Protein change: p.Thr529Arg; replaces threonine 529 with arginine.
Molecular consequence: missense variant. On other transcripts: intron variant (1).
Genome position (GRCh38, 1-based): chr16:74,630,949, G>C on the plus strand (C>G on the coding strand, the complement: RFWD3 is on the minus strand). VCF-style: chr16-74630949-G-C. GRCh37 (hg19) VCF-style: chr16-74664847-G-C.
Other names: c.1586C>G, p.Thr529Arg (NM_001370534.1, NM_001370535.1); c.752C>G, p.Thr251Arg (NM_001370537.1, NM_001370539.1, NM_001370540.1 and 3 more transcripts); c.1577+1574C>G (NM_001370536.1); c.1586C>G (NM_018124.3); short protein forms T251R, T529R.
Identifiers: ClinVar variation 2730341 (VCV002730341.4), dbSNP rs146124091, ClinGen allele CA8169133.